The following is an entry in ClinVar:

NM_000321.3(RB1):c.1596C>G (p.Ile532Met)

Gene: RB1 (RB transcriptional corepressor 1; plus strand). Cytogenetic location: 13q14.2.
Variant type: single nucleotide variant.
Coding change: c.1596C>G on transcript NM_000321.3 (MANE Select); coding-DNA position 1596, C replaced by G.
Protein change: p.Ile532Met; replaces isoleucine 532 with methionine.
Molecular consequence: missense variant.
Genome position (GRCh38, 1-based): chr13:48,381,344, C>G. VCF-style: chr13-48381344-C-G. GRCh37 (hg19) VCF-style: chr13-48955480-C-G.
Other names: c.1596C>G, p.Ile532Met (NM_001407165.1, NM_001407166.1); short protein forms I532M.
Identifiers: ClinVar variation 3075645 (VCV003075645.1), dbSNP rs770728170, ClinGen allele CA388163688.

ClinVar aggregate classification (germline): Uncertain significance (1 of 4 stars; one submission).

Conditions:
Retinoblastoma (RB1). Also called: RETINOBLASTOMA, SOMATIC. Identifiers: Orphanet 790, MedGen C0035335, MeSH D012175, MONDO:0008380, OMIM 180200, HP:0009919. Disease mechanism: loss of function. Inheritance: Both sporadic and heritable forms are tested..

Submission:

All of Us Research Program, National Institutes of Health
Classification: Uncertain significance for Retinoblastoma. Last evaluated: 2023-04-27. Review status: criteria provided, single submitter. Criteria: ACMG Guidelines, 2015. Collection method: clinical testing. Allele origin: germline. Inheritance: Autosomal dominant inheritance. Observed: 1 variant allele, 1 heterozygote.
Comment: This missense variant replaces isoleucine with methionine at codon 532 of the RB1 protein. Computational prediction suggests that this variant may have deleterious impact on protein structure and function (internally defined REVEL score threshold >= 0.7, PMID: 27666373). To our knowledge, functional studies have not been reported for this variant. This variant has not been reported in individuals affected with hereditary cancer in the literature. This variant has not been identified in the general population by the Genome Aggregation Database (gnomAD). The available evidence is insufficient to determine the role of this variant in disease conclusively. Therefore, this variant is classified as a Variant of Uncertain Significance.

This study involves interpretation of variants in research participants for the purpose of population health screening. Participant phenotype was not available at the time of variant classification. Additional details can be found in publication PMID: 35346344, PMCID: PMC8962531